The following is an entry in ClinVar:

NM_005732.4(RAD50):c.3818T>C (p.Phe1273Ser)

Genes: TH2LCRR (T helper type 2 locus control region associated RNA; minus strand), RAD50 (RAD50 double strand break repair protein; plus strand). Cytogenetic location: 5q31.1.
Variant type: single nucleotide variant.
Coding change: c.3818T>C on transcript NM_005732.4 (MANE Select); coding-DNA position 3818, T replaced by C.
Protein change: p.Phe1273Ser; replaces phenylalanine 1273 with serine.
Molecular consequence: missense variant. On other transcripts: non-coding transcript variant (1).
Genome position (GRCh38, 1-based): chr5:132,642,243, T>C. VCF-style: chr5-132642243-T-C. GRCh37 (hg19) VCF-style: chr5-131977935-T-C.
Other names: short protein forms F1273S.
Identifiers: ClinVar variation 2565926 (VCV002565926.5), dbSNP rs1561661834, ClinGen allele CA360936619.
Genomic context (GRCh38, chr5:132,642,243, plus strand): 5'-TAAAAAGTCGCTCACAGCAGCGTAACTTCCAGCTTCTGGTAATCACTCATGATGAAGATT[T>C]TGTGGAGCTTTTAGGACGTTCTGAATATGTGGAGAAATTCTACAGGATTAAAAAGAACAT-3'
Protein context (NP_005723.2, residues 1263-1283): QLLVITHDED[Phe1273Ser]VELLGRSEYV

ClinVar aggregate classification (germline): Uncertain significance. Review status: criteria provided, multiple submitters, no conflicts (2 of 4 stars). 2 submissions from 2 submitters: Uncertain significance (2). Last evaluated 2023-04-06.

Conditions:
Hereditary cancer-predisposing syndrome. Also called: Neoplastic Syndromes, Hereditary; Hereditary Cancer Syndrome; Hereditary neoplastic syndrome; Tumor predisposition. Identifiers: Orphanet 140162, MedGen C0027672, MeSH D009386, MONDO:0015356.

Submissions (2):

Labcorp Genetics (formerly Invitae), Labcorp
Classification: Uncertain significance for Hereditary cancer-predisposing syndrome. Last evaluated: 2023-04-06. Review status: criteria provided, single submitter. Criteria: Invitae Variant Classification Sherloc (09022015). Collection method: clinical testing. Allele origin: germline.
Comment: This sequence change replaces phenylalanine, which is neutral and non-polar, with serine, which is neutral and polar, at codon 1273 of the RAD50 protein (p.Phe1273Ser). This variant is not present in population databases (gnomAD no frequency). This variant has not been reported in the literature in individuals affected with RAD50-related conditions. Advanced modeling of protein sequence and biophysical properties (such as structural, functional, and spatial information, amino acid conservation, physicochemical variation, residue mobility, and thermodynamic stability) performed at Invitae indicates that this missense variant is expected to disrupt RAD50 protein function. In summary, the available evidence is currently insufficient to determine the role of this variant in disease. Therefore, it has been classified as a Variant of Uncertain Significance.

Ambry Genetics
Classification: Uncertain significance for Hereditary cancer-predisposing syndrome. Last evaluated: 2023-03-16. Review status: criteria provided, single submitter. Criteria: Ambry Variant Classification Scheme 2023. Collection method: clinical testing. Allele origin: germline.
Comment: The p.F1273S variant (also known as c.3818T>C), located in coding exon 25 of the RAD50 gene, results from a T to C substitution at nucleotide position 3818. The phenylalanine at codon 1273 is replaced by serine, an amino acid with highly dissimilar properties. This amino acid position is conserved. In addition, this alteration is predicted to be deleterious by in silico analysis. Since supporting evidence is limited at this time, the clinical significance of this alteration remains unclear.